The following is an entry in ClinVar:

NM_000784.4(CYP27A1):c.1099_1102dup (p.Val368fs)

Gene: CYP27A1 (cytochrome P450 family 27 subfamily A member 1; plus strand). Cytogenetic location: 2q35.
Variant type: Microsatellite.
Coding change: c.1099_1102dup on transcript NM_000784.4 (MANE Select); coding-DNA positions 1099 to 1102, 4 bases duplicated (GGTG; older notation c.1099_1102dupGGTG).
Protein change: p.Val368fs; shifts the reading frame from valine 368.
Molecular consequence: frameshift variant.
Genome position (GRCh38, 1-based): chr2:218,814,102-218,814,105, GGTG duplicated; duplicating any 4 consecutive bases within chr2:218,814,098-218,814,105 gives the same sequence; the c. name uses the placement nearest the transcript's 3' end. VCF-style (leftmost placement, unchanged base first): chr2-218814097-T-TGGTG. GRCh37 (hg19) VCF-style: chr2-219678820-T-TGGTG.
Other names: short protein forms V368fs.
Identifiers: ClinVar variation 2035798 (VCV002035798.4), dbSNP rs2470229058, ClinGen allele CA2580616695.

ClinVar aggregate classification (germline): Pathogenic (1 of 4 stars; one submission).

Conditions:
Cholestanol storage disease (CTX). Also called: Cerebrotendinous Xanthomatosis; CTX: Cerebrotendinous xanthomatosis; CEREBRAL CHOLESTERINOSIS. Identifiers: Orphanet 909, MedGen C0238052, MONDO:0008948, OMIM 213700.

Submission:

Labcorp Genetics (formerly Invitae), Labcorp
Classification: Pathogenic for Cholestanol storage disease. Last evaluated: 2022-10-16. Review status: criteria provided, single submitter. Criteria: Invitae Variant Classification Sherloc (09022015). Collection method: clinical testing. Allele origin: germline.
Comment: For these reasons, this variant has been classified as Pathogenic. This variant has not been reported in the literature in individuals affected with CYP27A1-related conditions. This variant is not present in population databases (gnomAD no frequency). This sequence change creates a premature translational stop signal (p.Val368Glyfs*25) in the CYP27A1 gene. It is expected to result in an absent or disrupted protein product. Loss-of-function variants in CYP27A1 are known to be pathogenic (PMID: 9392430, 10775536, 26937392).

Literature cited by the submitters: PubMed 9392430; PubMed 10775536; PubMed 26937392.